The following is an entry in ClinVar:

ClinVar aggregate classification (germline): Pathogenic (1 of 4 stars; one submission).

Conditions:
Familial cancer of breast. Also called: Hereditary breast cancer; BREAST CANCER, FAMILIAL; hereditary breast carcinoma. Identifiers: Orphanet 227535, MedGen C0346153, MONDO:0016419, OMIM 114480. Disease mechanism: loss of function.

Submission:

Myriad Genetics, Inc.
Classification: Pathogenic for Familial cancer of breast. Last evaluated: 2023-09-05. Review status: criteria provided, single submitter. Criteria: Myriad Autosomal Dominant, Autosomal Recessive and X-Linked Classification Criteria (2023). Collection method: clinical testing. Allele origin: unknown.
Comment: This variant is considered pathogenic. This variant creates a termination codon and is predicted to result in premature protein truncation.

NM_024675.4(PALB2):c.62del (p.Lys20_Leu21insTer)

Gene: PALB2 (partner and localizer of BRCA2; minus strand). Cytogenetic location: 16p12.2.
Variant type: Deletion.
Coding change: c.62del on transcript NM_024675.4 (MANE Select); coding-DNA position 62, one base deleted (T; older notation c.62delT).
Protein change: p.Lys20_Leu21insTer.
Molecular consequence: nonsense. On other transcripts: 5 prime UTR variant (8), intron variant (4).
Genome position (GRCh38, 1-based): chr16:23,638,116, A deleted on the plus strand (T on the coding strand, the reverse complement: PALB2 is on the minus strand); the first of 2 consecutive A bases (chr16:23,638,116-23,638,117); deleting either gives the same sequence. VCF-style (leftmost placement, unchanged base first): chr16-23638115-TA-T. GRCh37 (hg19) VCF-style: chr16-23649436-TA-T.
Other names: c.62del, p.Lys20_Leu21insTer (NM_001407297.1, NM_001407298.1, NM_001407299.1 and 3 more transcripts); c.-824del (NM_001407304.1, NM_001407305.1, NM_001407306.1 and 5 more transcripts); c.48+2994del (NM_001407314.1); c.-105+2994del (NM_001407313.1, NM_001407312.1); c.49-164del (NM_001407296.1).
Identifiers: ClinVar variation 2674141 (VCV002674141.1), dbSNP rs2506540669, ClinGen allele CA2695197566.